The following is an entry in ClinVar:

ClinVar aggregate classification (germline): Pathogenic/Likely pathogenic. Review status: criteria provided, multiple submitters, no conflicts (2 of 4 stars). 2 submissions from 2 submitters: Pathogenic (1); Likely pathogenic (1). Last evaluated 2021-01-23.

Conditions:
Nemaline myopathy 2 (NEM2). Also called: Nemaline myopathy 2, autosomal recessive. Identifiers: MedGen C1850569, MONDO:0009725, OMIM 256030.
Arthrogryposis multiplex congenita 6. Identifiers: MedGen C5543431, MONDO:0030281, OMIM 619334.

Submissions (2):

Labcorp Genetics (formerly Invitae), Labcorp
Classification: Pathogenic for Nemaline myopathy 2. Last evaluated: 2021-01-23. Review status: criteria provided, single submitter. Criteria: Invitae Variant Classification Sherloc (09022015). Collection method: clinical testing. Allele origin: germline.
Comment: For these reasons, this variant has been classified as Pathogenic. Loss-of-function variants in NEB are known to be pathogenic (PMID: 25205138). This variant has not been reported in the literature in individuals with NEB-related conditions. This variant is not present in population databases (ExAC no frequency). This sequence change creates a premature translational stop signal (p.Ser8455*) in the NEB gene. It is expected to result in an absent or disrupted protein product.

Juno Genomics, Hangzhou Juno Genomics, Inc
Classification: Likely pathogenic for Nemaline myopathy 2; Arthrogryposis multiplex congenita 6. Review status: criteria provided, single submitter. Criteria: ACMG Guidelines, 2015. Collection method: clinical testing. Allele origin: germline.
Comment: Null variant in a gene where loss of function (LOF) is a known mechanism of disease.;Absent from controls (or at extremely low frequency if recessive) in Genome Aggregation Database.

Literature cited by the submitters: PubMed 25205138 (cited by Labcorp Genetics (formerly Invitae), Labcorp).

NM_001164508.2(NEB):c.25259C>A (p.Ser8420Ter)

Genes: NEB (nebulin; minus strand), RIF1 (replication timing regulatory factor 1; plus strand). Cytogenetic location: 2q23.3.
Variant type: single nucleotide variant.
Coding change: c.25259C>A on transcript NM_001164508.2 (MANE Select); coding-DNA position 25259, C replaced by A.
Protein change: p.Ser8420Ter; replaces serine 8420 with a stop codon.
Molecular consequence: nonsense.
Genome position (GRCh38, 1-based): chr2:151,490,410, G>T on the plus strand (C>A on the coding strand, the complement: NEB is on the minus strand). VCF-style: chr2-151490410-G-T. GRCh37 (hg19) VCF-style: chr2-152346924-G-T.
Other names: c.25259C>A, p.Ser8420Ter (NM_001164507.2); c.25364C>A, p.Ser8455Ter (NM_001271208.2); c.19691C>A, p.Ser6564Ter (NM_004543.5); short protein forms S8420*, S6564*, S8455*.
Identifiers: ClinVar variation 950614 (VCV000950614.9), dbSNP rs949111967, ClinGen allele CA348770973.
Genomic context (GRCh38, chr2:151,490,410, plus strand): 5'-AATCAGCGCCAGGCACTTGTACCTGTTGAGACTGCAAAGACACCCCCGTCGCTGTAAGTC[G>T]AAAGGTGGTGGTCTGGTGCTTCTGAATGCTCAGACTTCTCCTCACCCCCACTGATGCTTA-3'